The following is an entry in ClinVar:

NM_000218.3(KCNQ1):c.834C>A (p.Tyr278Ter)

Gene: KCNQ1 (potassium voltage-gated channel subfamily Q member 1; plus strand). Cytogenetic location: 11p15.5.
Variant type: single nucleotide variant.
Coding change: c.834C>A on transcript NM_000218.3 (MANE Select); coding-DNA position 834, C replaced by A.
Protein change: p.Tyr278Ter; replaces tyrosine 278 with a stop codon.
Molecular consequence: nonsense. On other transcripts: intron variant (1).
Genome position (GRCh38, 1-based): chr11:2,572,899, C>A. VCF-style: chr11-2572899-C-A. GRCh37 (hg19) VCF-style: chr11-2594129-C-A.
Other names: c.834C>A, p.Tyr278Ter (NM_001406836.1); c.564C>A, p.Tyr188Ter (NM_001406837.1); c.453C>A, p.Tyr151Ter (NM_181798.2); c.478-10536C>A (NM_001406838.1); short protein forms Y188*, Y151*, Y278*.
Identifiers: ClinVar variation 4843729 (VCV004843729.1).

ClinVar aggregate classification (germline): Pathogenic (1 of 4 stars; one submission).

Conditions:
Cardiovascular phenotype. Identifiers: MedGen CN230736.

Submission:

Ambry Genetics
Classification: Pathogenic for Cardiovascular phenotype. Last evaluated: 2025-12-31. Review status: criteria provided, single submitter. Criteria: Ambry Variant Classification Scheme 2023. Collection method: clinical testing. Allele origin: germline.
Comment: The p.Y278* pathogenic mutation (also known as c.834C>A), located in coding exon 6 of the KCNQ1 gene, results from a C to A substitution at nucleotide position 834. This changes the amino acid from a tyrosine to a stop codon within coding exon 6. This variant is considered to be rare based on population cohorts in the Genome Aggregation Database (gnomAD). This alteration is expected to result in loss of function by premature protein truncation or nonsense-mediated mRNA decay. As such, this alteration is interpreted as a disease-causing mutation.